The following is an entry in ClinVar:

ClinVar aggregate classification (germline): Likely benign. Review status: criteria provided, multiple submitters, no conflicts (2 of 4 stars). 2 submissions from 2 submitters: Likely benign (2). Last evaluated 2026-05-29.

Conditions:
Gastrointestinal stromal tumor. Also called: Gastrointestinal stromal tumor, somatic; Gastrointestinal stroma tumor. Identifiers: Orphanet 44890, MedGen C0238198, MeSH D046152, MONDO:0011719, OMIM 606764, HP:0100723.

Submissions (2):

Myriad Genetics, Inc.
Classification: Likely benign for Gastrointestinal stromal tumor. Last evaluated: 2026-05-29. Review status: criteria provided, single submitter. Criteria: Myriad Autosomal Dominant, Autosomal Recessive and X-Linked Classification Criteria (2023). Collection method: clinical testing. Allele origin: unknown.
Comment: This variant is considered likely benign. This variant is intronic and is not expected to impact mRNA splicing.

Labcorp Genetics (formerly Invitae), Labcorp
Classification: Likely benign for Gastrointestinal stromal tumor. Last evaluated: 2022-11-29. Review status: criteria provided, single submitter. Criteria: Invitae Variant Classification Sherloc (09022015). Collection method: clinical testing. Allele origin: germline.

NM_000222.3(KIT):c.2361+8G>A

Gene: KIT (KIT proto-oncogene, receptor tyrosine kinase; plus strand). Cytogenetic location: 4q12.
Variant type: single nucleotide variant.
Coding change: c.2361+8G>A on transcript NM_000222.3 (MANE Select); 8 bases into the intron after coding-DNA position 2361, G replaced by A.
Molecular consequence: intron variant.
Genome position (GRCh38, 1-based): chr4:54,732,006, G>A. VCF-style: chr4-54732006-G-A. GRCh37 (hg19) VCF-style: chr4-55598172-G-A.
Other names: c.2364+8G>A (NM_001385284.1); c.2361+8G>A (NM_001385290.1); c.2352+8G>A (NM_001385288.1); c.2349+8G>A (NM_001385292.1, NM_001093772.2); c.2358+8G>A (NM_001385285.1); c.2346+8G>A (NM_001385286.1).
Identifiers: ClinVar variation 2804839 (VCV002804839.4), dbSNP rs1722630803, ClinGen allele CA1458743173.